The following is an entry in ClinVar:

ClinVar aggregate classification (germline): Uncertain significance. Review status: criteria provided, multiple submitters, no conflicts (2 of 4 stars). 3 submissions from 3 submitters: Uncertain significance (2). 1 of the submissions does not count toward it. Last evaluated 2022-06-13.

Conditions:
Retinitis pigmentosa 25 (RP25). Identifiers: Orphanet 791, MedGen C1864446, MONDO:0011272, OMIM 602772.

Allele frequency attached by ClinVar (database versions not stated): TOPMed below 0.00001; gnomAD 0.00001.
gnomAD v4.1: 1 of 1,551,708 alleles (0.000064%); highest among the groups gnomAD compares: African/African-American, 0.0014%; no homozygotes.

Submissions (3):

Blueprint Genetics
Classification: Uncertain significance. Last evaluated: 2022-06-13. Review status: criteria provided, single submitter. Criteria: ACMG Guidelines, 2015. Collection method: clinical testing. Allele origin: germline.

Labcorp Genetics (formerly Invitae), Labcorp
Classification: Uncertain significance. Last evaluated: 2022-04-12. Review status: criteria provided, single submitter. Criteria: Invitae Variant Classification Sherloc (09022015). Collection method: clinical testing. Allele origin: germline.
Comment: Algorithms developed to predict the effect of missense changes on protein structure and function (SIFT, PolyPhen-2, Align-GVGD) all suggest that this variant is likely to be disruptive. In summary, the available evidence is currently insufficient to determine the role of this variant in disease. Therefore, it has been classified as a Variant of Uncertain Significance. ClinVar contains an entry for this variant (Variation ID: 1006008). This variant has not been reported in the literature in individuals affected with EYS-related conditions. This variant is not present in population databases (gnomAD no frequency). This sequence change replaces tyrosine, which is neutral and polar, with aspartic acid, which is acidic and polar, at codon 2491 of the EYS protein (p.Tyr2491Asp).

Natera, Inc.
Classification: Uncertain significance for Retinitis pigmentosa type 25. Last evaluated: 2021-07-12. Review status: no assertion criteria provided. Collection method: clinical testing. Allele origin: germline. Not counted in ClinVar's aggregate classification.

NM_001142800.2(EYS):c.7471T>G (p.Tyr2491Asp)

Gene: EYS (EGF-like photoreceptor maintenance factor; minus strand). Cytogenetic location: 6q12.
Variant type: single nucleotide variant.
Coding change: c.7471T>G on transcript NM_001142800.2 (MANE Select); coding-DNA position 7471, T replaced by G.
Protein change: p.Tyr2491Asp; replaces tyrosine 2491 with aspartic acid.
Molecular consequence: missense variant.
Genome position (GRCh38, 1-based): chr6:63,789,165, A>C on the plus strand (T>G on the coding strand, the complement: EYS is on the minus strand). VCF-style: chr6-63789165-A-C. GRCh37 (hg19) VCF-style: chr6-64499058-A-C.
Other names: c.7471T>G, p.Tyr2491Asp (NM_001292009.2); short protein forms Y2491D.
Identifiers: ClinVar variation 1006008 (VCV001006008.12), dbSNP rs1306301546, ClinGen allele CA364385924.
Genomic context (GRCh38, chr6:63,789,165, plus strand): 5'-CTCCAAGGCTCAGATTGAGGGGCTCGCTCCTGATGCTTGCTATGCCAGACCCCAGGTTAT[A>C]ACTATAAACCACACTGCCATTGAGCAGGCCCACAGCCAGGAAGTCATCGCCATTCAACCC-3'
Protein context (NP_001136272.1, residues 2481-2501): GLLNGSVVYS[Tyr2491Asp]NLGSGIASIR